The following is an entry in ClinVar:

NM_004974.4(KCNA2):c.490A>G (p.Ile164Val)

Gene: KCNA2 (potassium voltage-gated channel subfamily A member 2; minus strand). Cytogenetic location: 1p13.3.
Variant type: single nucleotide variant.
Coding change: c.490A>G on transcript NM_004974.4 (MANE Select); coding-DNA position 490, A replaced by G.
Protein change: p.Ile164Val; replaces isoleucine 164 with valine.
Molecular consequence: missense variant.
Genome position (GRCh38, 1-based): chr1:110,604,293, T>C on the plus strand (A>G on the coding strand, the complement: KCNA2 is on the minus strand). VCF-style: chr1-110604293-T-C. GRCh37 (hg19) VCF-style: chr1-111146915-T-C.
Other names: c.490A>G (NM_004974.3); c.490A>G, p.Ile164Val (NM_001204269.2); short protein forms I164V.
Identifiers: ClinVar variation 2787600 (VCV002787600.4), dbSNP rs2524621076, ClinGen allele CA341605169.
Genomic context (GRCh38, chr1:110,604,293, plus strand): 5'-TTTCCAGACAGAAGCTGACAATTGAGATCAGAATCACCATGACAGACACAATAGCTATAA[T>C]CCTGGCAGGCCCTGAGCTCTCTGGGTATTCAAAGAGAAGCCACACTTGTCTCTGAAACTC-3'
Protein context (NP_004965.1, residues 154-174): EYPESSGPAR[Ile164Val]IAIVSVMVIL

ClinVar aggregate classification (germline): Uncertain significance. Review status: criteria provided, multiple submitters, no conflicts (2 of 4 stars). 2 submissions from 2 submitters: Uncertain significance (2). Last evaluated 2026-08-21.

Conditions:
Developmental and epileptic encephalopathy, 32 (DEE32). Also called: Epileptic encephalopathy, early infantile, 32. Identifiers: Orphanet 442835, MedGen C4225350, MONDO:0014607, OMIM 616366.
KCNA2-related disorder. Also called: KCNA2-related condition.

gnomAD v4.1: 3 of 1,614,112 alleles (0.00019%); highest among the groups gnomAD compares: Admixed American, 0.0033%; no homozygotes.

Submissions (2):

PreventionGenetics, part of Exact Sciences
Classification: Uncertain significance for KCNA2-related condition. Last evaluated: 2026-08-21. Review status: criteria provided, single submitter. Criteria: ACMG Guidelines, 2015. Collection method: clinical testing. Allele origin: germline.
Comment: The KCNA2 c.490A>G variant is predicted to result in the amino acid substitution p.Ile164Val. To our knowledge, this variant has not been reported in the literature or in a large population database (gnomAD), indicating this variant is rare. At this time, the clinical significance of this variant is uncertain due to the absence of conclusive functional and genetic evidence.

Labcorp Genetics (formerly Invitae), Labcorp
Classification: Uncertain significance for Developmental and epileptic encephalopathy, 32. Last evaluated: 2024-02-02. Review status: criteria provided, single submitter. Criteria: Invitae Variant Classification Sherloc (09022015). Collection method: clinical testing. Allele origin: germline.
Comment: This sequence change replaces isoleucine, which is neutral and non-polar, with valine, which is neutral and non-polar, at codon 164 of the KCNA2 protein (p.Ile164Val). This variant is not present in population databases (gnomAD no frequency). This variant has not been reported in the literature in individuals affected with KCNA2-related conditions. Advanced modeling of protein sequence and biophysical properties (such as structural, functional, and spatial information, amino acid conservation, physicochemical variation, residue mobility, and thermodynamic stability) performed at Invitae indicates that this missense variant is not expected to disrupt KCNA2 protein function with a negative predictive value of 80%. In summary, the available evidence is currently insufficient to determine the role of this variant in disease. Therefore, it has been classified as a Variant of Uncertain Significance.